The following is an entry in ClinVar:

NM_006663.4(PPP1R13L):c.860C>T (p.Pro287Leu)

Gene: PPP1R13L (protein phosphatase 1 regulatory subunit 13 like; minus strand). Cytogenetic location: 19q13.32.
Variant type: single nucleotide variant.
Coding change: c.860C>T on transcript NM_006663.4 (MANE Select); coding-DNA position 860, C replaced by T.
Protein change: p.Pro287Leu; replaces proline 287 with leucine.
Molecular consequence: missense variant.
Genome position (GRCh38, 1-based): chr19:45,396,211, G>A on the plus strand (C>T on the coding strand, the complement: PPP1R13L is on the minus strand). VCF-style: chr19-45396211-G-A. GRCh37 (hg19) VCF-style: chr19-45899469-G-A.
Other names: c.860C>T, p.Pro287Leu (NM_001142502.2); c.860C>T (NM_006663.3); short protein forms P287L.
Identifiers: ClinVar variation 3309337 (VCV003309337.2), dbSNP rs142842464.
Genomic context (GRCh38, chr19:45,396,211, plus strand): 5'-AGGCGTCGCCTCCTCACCTTGCCGGTGCCCCCCAGTCCATCCAGGCTGCTCTCCCTCCAA[G>A]GCAACAGCTGCAGGCTCGGCGAGGCAGGCCTTGCGAAGACGTCCAGGCCTGCGGGGCGGG-3'
Protein context (NP_006654.2, residues 277-297): RPASPSLQLL[Pro287Leu]WRESSLDGLG

ClinVar aggregate classification (germline): Conflicting classifications of pathogenicity. Review status: criteria provided, conflicting classifications (1 of 4 stars). 2 submissions from 2 submitters: Uncertain significance (1); Likely benign (1). Last evaluated 2025-04-09.

Conditions:
Inborn genetic diseases. Identifiers: MedGen C0950123, MeSH D030342.

gnomAD v4.1: 476 of 1,611,962 alleles (0.03%); highest among the groups gnomAD compares: Non-Finnish European, 0.036%; 2 homozygotes.

Submissions (2):

Molecular Diagnostic Laboratory for Inherited Cardiovascular Disease, Montreal Heart Institute
Classification: Likely benign. Last evaluated: 2025-04-09. Review status: criteria provided, single submitter. Criteria: ACMG Guidelines, 2015. Collection method: clinical testing. Allele origin: germline. Affected: no.
Comment: BS1;BP4

Ambry Genetics
Classification: Uncertain significance for Inborn genetic diseases. Last evaluated: 2024-04-20. Review status: criteria provided, single submitter. Criteria: Ambry Variant Classification Scheme 2023. Collection method: clinical testing. Allele origin: germline.